The following is an entry in ClinVar:

ClinVar aggregate classification (germline): Uncertain significance. Review status: criteria provided, multiple submitters, no conflicts (2 of 4 stars). 2 submissions from 2 submitters: Uncertain significance (2). Last evaluated 2024-05-10.

Conditions:
Hepatic methionine adenosyltransferase deficiency. Also called: Methionine adenosyltransferase deficiency; Deficiency of methionine adenosyltransferase; Isolated Persistent Hypermethioninemia; MAT I/III DEFICIENCY. Identifiers: Orphanet 168598, MedGen C0268621, MeSH C564683, MONDO:0009607, OMIM 250850.

Allele frequency attached by ClinVar (database versions not stated): gnomAD 0.00001; 1000 Genomes Project 30x 0.00016; 1000 Genomes Project 0.00020; TOPMed 0.00001; ExAC 0.00002; gnomAD exomes 0.00002 and 0.00005.

Submissions (2):

Labcorp Genetics (formerly Invitae), Labcorp
Classification: Uncertain significance for Hepatic methionine adenosyltransferase deficiency. Last evaluated: 2024-05-10. Review status: criteria provided, single submitter. Criteria: Invitae Variant Classification Sherloc (09022015). Collection method: clinical testing. Allele origin: germline.
Comment: This sequence change falls in intron 1 of the MAT1A gene. It does not directly change the encoded amino acid sequence of the MAT1A protein. It affects a nucleotide within the consensus splice site. This variant is present in population databases (rs532139579, gnomAD 0.008%). This variant has not been reported in the literature in individuals affected with MAT1A-related conditions. ClinVar contains an entry for this variant (Variation ID: 1176548). Variants that disrupt the consensus splice site are a relatively common cause of aberrant splicing (PMID: 17576681, 9536098). Algorithms developed to predict the effect of sequence changes on RNA splicing suggest that this variant is not likely to affect RNA splicing. In summary, the available evidence is currently insufficient to determine the role of this variant in disease. Therefore, it has been classified as a Variant of Uncertain Significance.

CeGaT Center for Human Genetics Tuebingen
Classification: Uncertain significance. Last evaluated: 2021-06-01. Review status: criteria provided, single submitter. Criteria: CeGaT Center For Human Genetics Tuebingen Variant Classification Criteria Version 2. Collection method: clinical testing. Allele origin: germline. Affected: yes. Observed: 1 variant allele.

Literature cited by the submitters: PubMed 17576681 (cited by Labcorp Genetics (formerly Invitae), Labcorp); PubMed 9536098 (cited by Labcorp Genetics (formerly Invitae), Labcorp).

NM_000429.3(MAT1A):c.91+6T>C

Gene: MAT1A (methionine adenosyltransferase 1A; minus strand). Cytogenetic location: 10q22.3.
Variant type: single nucleotide variant.
Coding change: c.91+6T>C on transcript NM_000429.3 (MANE Select); 6 bases into the intron after coding-DNA position 91, T replaced by C.
Molecular consequence: intron variant.
Genome position (GRCh38, 1-based): chr10:80,289,327, A>G on the plus strand (T>C on the coding strand, the complement: MAT1A is on the minus strand). VCF-style: chr10-80289327-A-G. GRCh37 (hg19) VCF-style: chr10-82049083-A-G.
Identifiers: ClinVar variation 1176548 (VCV001176548.37), dbSNP rs532139579, ClinGen allele CA5576911.
Genomic context (GRCh38, chr10:80,289,327, plus strand): 5'-TAAGTGACTCCCTCAGTATAGGCTTGGAATGATCGTTTTCCAGTCAGTCCAAGACAGCCT[A>G]CTTACCCGGGTGTCCCTCTCCCACAGACTCCGATGTGAACATGAAGACTCCTTCACTTAG-3'